The following is an entry in ClinVar:

ClinVar aggregate classification (germline): Benign/Likely benign. Review status: criteria provided, multiple submitters, no conflicts (2 of 4 stars). 2 submissions from 2 submitters: Benign (1); Likely benign (1). Last evaluated 2018-07-17.

Conditions:
Autosomal recessive ataxia due to ubiquinone deficiency. Also called: SPINOCEREBELLAR ATAXIA, AUTOSOMAL RECESSIVE 9; Coenzyme Q10 deficiency, primary, 4. Identifiers: Orphanet 139485, MedGen C2677589, MONDO:0012784, OMIM 612016.

Allele frequency attached by ClinVar (database versions not stated): gnomAD exomes 0.00099; gnomAD 0.01098 and 0.01173; 1000 Genomes Project 0.01178; 1000 Genomes Project 30x 0.01218; TOPMed 0.01218.
gnomAD v4.1: 2,655 of 1,120,730 alleles (0.24%); highest among the groups gnomAD compares: African/African-American, 3.6%; 50 homozygotes.

Submissions (2):

GeneDx
Classification: Likely benign. Last evaluated: 2018-07-17. Review status: criteria provided, single submitter. Criteria: GeneDx Variant Classification Process June 2021. Collection method: clinical testing. Allele origin: germline. Affected: yes.

Illumina Laboratory Services, Illumina
Classification: Benign for Autosomal recessive ataxia due to ubiquinone deficiency. Last evaluated: 2018-01-12. Review status: criteria provided, single submitter. Criteria: ICSL Variant Classification Criteria 13 December 2019. Collection method: clinical testing. Allele origin: germline.
Comment: This variant was observed in the ICSL laboratory as part of a predisposition screen in an ostensibly healthy population. It had not been previously curated by ICSL or reported in the Human Gene Mutation Database (HGMD: prior to June 1st, 2018), and was therefore a candidate for classification through an automated scoring system. Utilizing variant allele frequency, disease prevalence and penetrance estimates, and inheritance mode, an automated score was calculated to assess if this variant is too frequent to cause the disease. Based on the score and internal cut-off values, a variant classified as benign is not then subjected to further curation. The score for this variant resulted in a classification of benign for this disease.

NM_020247.5(COQ8A):c.*133G>A

Gene: COQ8A (coenzyme Q8A; plus strand). Cytogenetic location: 1q42.13.
Variant type: single nucleotide variant.
Coding change: c.*133G>A on transcript NM_020247.5 (MANE Select); 133 bases downstream of the stop codon, G replaced by A.
Molecular consequence: 3 prime UTR variant.
Genome position (GRCh38, 1-based): chr1:226,986,870, G>A. VCF-style: chr1-226986870-G-A. GRCh37 (hg19) VCF-style: chr1-227174571-G-A.
Identifiers: ClinVar variation 296031 (VCV000296031.8), dbSNP rs149820067, ClinGen allele CA10609407.